The following is an entry in ClinVar:

ClinVar aggregate classification (germline): Likely pathogenic (0 of 4 stars; one submission).

Conditions:
Finnish congenital nephrotic syndrome (NPHS1). Also called: NEPHROTIC SYNDROME, TYPE 1. Identifiers: Orphanet 839, MedGen C0403399, MONDO:0009732, OMIM 256300.

Submission:

Juha Muilu Group; Institute for Molecular Medicine Finland (FIMM)
Classification: Likely pathogenic for Finnish congenital nephrotic syndrome. Review status: no assertion criteria provided. Collection method: not provided. Allele origin: unknown.
Comment: FinDis database variant: This variant was not found or characterized by our laboratory, data were collected from public sources: see reference
ClinVar note: Converted during submission from probable-pathogenic to Likely pathogenic.

NM_004646.4(NPHS1):c.2815+5G>A

Gene: NPHS1 (NPHS1 adhesion molecule, nephrin; minus strand). Cytogenetic location: 19q13.12.
Variant type: single nucleotide variant.
Coding change: c.2815+5G>A on transcript NM_004646.4 (MANE Select); 5 bases into the intron after coding-DNA position 2815, G replaced by A.
Molecular consequence: intron variant.
Genome position (GRCh38, 1-based): chr19:35,841,710, C>T on the plus strand (G>A on the coding strand, the complement: NPHS1 is on the minus strand). VCF-style: chr19-35841710-C-T. GRCh37 (hg19) VCF-style: chr19-36332612-C-T.
Identifiers: ClinVar variation 56488 (VCV000056488.2), dbSNP rs386833927, ClinGen allele CA250212.
Genomic context (GRCh38, chr19:35,841,710, plus strand): 5'-ATCAGGGATGTGGGAATGGATCCAGGGAGCACCCCCTCCCCAACACCCTCACAGCCCCTC[C>T]ATACTGATGCTGACAAGTTGAATGTTGGTTTGGTCCGAGCCAAGGGCGTTGGTGGCTGTA-3'